The following is an entry in ClinVar:

ClinVar aggregate classification (germline): Pathogenic (1 of 4 stars; one submission).

Submission:

Quest Diagnostics Nichols Institute San Juan Capistrano
Classification: Pathogenic. Last evaluated: 2024-03-22. Review status: criteria provided, single submitter. Criteria: ACMG/ClinGen CNV Guidelines, 2019. Collection method: clinical testing. Allele origin: unknown.
Comment: This loss involves over 40 protein-coding genes and is within the 22q13.3 deletion syndromic region (Phelan-McDermid syndrome; OMIM 606232). Heterozygous deletions specifically within this 22q13.2q13.33 proximal region are associated with various phenotypes (Disciglio 2014, D’Orsi 2017, Firth 2009, Palumbo 2018). There are no similar copy number losses of this region in the general populations of the Database of Genomic Variants. Thus, based on current medical literature and gene count, this copy number variant (CNV) is classified as pathogenic. References: Disciglio et al., Am J Med Genet A. 2014 Jul;164A(7):1666-76. PMID: 24700646; D’Orsi et al., Seizure. 2017 Dec:53:86-93. PMID: 29156220; Firth et al., Am J Hum Genet. 2009 Apr;84(4):524-33. PMID: 19344873; Palumbo et al., Am J Med Genet A. 2018 Feb;176(2):391-398. PMID: 29193617

GRCh37/hg19 22q13.2-13.33(chr22:43451317-50307583)x1

Genes: ALG12 (ALG12 alpha-1,6-mannosyltransferase; minus strand), ARHGAP8 (Rho GTPase activating protein 8; plus strand), ATXN10 (ataxin 10; plus strand), BIK (BCL2 interacting killer; plus strand), BRD1 (bromodomain containing 1; minus strand) and 41 more. Cytogenetic location: 22q13.2-13.33.
Variant type: copy number loss.
Change: copy number 1 (one copy instead of two) of chr22:43,451,317-50,307,583 (6.86 Mb, GRCh37 coordinates, 1-based), cytogenetic band 22q13.2-13.33.
Identifiers: ClinVar variation 3391942 (VCV003391942.1).